The following is an entry in ClinVar:

ClinVar aggregate classification (germline): Uncertain significance. Review status: criteria provided, multiple submitters, no conflicts (2 of 4 stars). 3 submissions from 3 submitters: Uncertain significance (3). Last evaluated 2023-05-27.

Conditions:
Hereditary nonpolyposis colorectal neoplasms. Identifiers: MedGen C0009405, MeSH D003123.
Hereditary cancer-predisposing syndrome. Also called: Hereditary Cancer Syndrome; Hereditary neoplastic syndrome; Neoplastic Syndromes, Hereditary; Tumor predisposition. Identifiers: Orphanet 140162, MedGen C0027672, MeSH D009386, MONDO:0015356.

Submissions (3):

Ambry Genetics
Classification: Uncertain significance for Hereditary cancer-predisposing syndrome. Last evaluated: 2023-05-27. Review status: criteria provided, single submitter. Criteria: Ambry Variant Classification Scheme 2023. Collection method: clinical testing. Allele origin: germline.
Comment: The p.N1307K variant (also known as c.3921T>A), located in coding exon 9 of the MSH6 gene, results from a T to A substitution at nucleotide position 3921. The asparagine at codon 1307 is replaced by lysine, an amino acid with similar properties. This amino acid position is not well conserved in available vertebrate species. In addition, this alteration is predicted to be tolerated by in silico analysis. Since supporting evidence is limited at this time, the clinical significance of this alteration remains unclear.

Color Diagnostics, LLC DBA Color Health
Classification: Uncertain significance for Hereditary cancer-predisposing syndrome. Last evaluated: 2019-10-29. Review status: criteria provided, single submitter. Criteria: ACMG Guidelines, 2015. Collection method: clinical testing. Allele origin: germline.
Comment: This missense variant replaces asparagine with lysine at codon 1307 of the MSH6 protein. Computational prediction tool suggests that this variant may not impact protein structure and function (internally defined REVEL score threshold ≤0.5, PMID: 27666373). Splice site prediction tools suggest that this variant may not impact RNA splicing. To our knowledge, functional studies have not been performed for this variant. This variant has not been reported in individuals affected with hereditary cancer in the literature. This variant has not been identified in the general population by the Genome Aggregation Database (gnomAD). The available evidence is insufficient to determine the role of this variant in disease conclusively. Therefore, this variant is classified as a Variant of Uncertain Significance.

Labcorp Genetics (formerly Invitae), Labcorp
Classification: Uncertain significance for Hereditary nonpolyposis colorectal neoplasms. Last evaluated: 2019-07-25. Review status: criteria provided, single submitter. Criteria: Invitae Variant Classification Sherloc (09022015). Collection method: clinical testing. Allele origin: germline.
Comment: In summary, this variant is a novel missense change that is not predicted to affect protein function. There is no indication that it causes disease, but the available evidence is currently insufficient to prove that conclusively. Therefore, it has been classified as a Variant of Uncertain Significance. Algorithms developed to predict the effect of missense changes on protein structure and function (SIFT, PolyPhen-2, Align-GVGD) all suggest that this variant is likely to be tolerated, but these predictions have not been confirmed by published functional studies. This variant is not present in population databases (ExAC no frequency) and has not been reported in the literature in individuals with a MSH6-related disease. This sequence change replaces asparagine with lysine at codon 1307 of the MSH6 protein (p.Asn1307Lys). The asparagine residue is weakly conserved and there is a moderate physicochemical difference between asparagine and lysine.

NM_000179.3(MSH6):c.3921T>A (p.Asn1307Lys)

Gene: MSH6 (mutS homolog 6; plus strand). Cytogenetic location: 2p16.3.
Variant type: single nucleotide variant.
Coding change: c.3921T>A on transcript NM_000179.3 (MANE Select); coding-DNA position 3921, T replaced by A.
Protein change: p.Asn1307Lys; replaces asparagine 1307 with lysine.
Molecular consequence: missense variant.
Genome position (GRCh38, 1-based): chr2:47,806,571, T>A. VCF-style: chr2-47806571-T-A. GRCh37 (hg19) VCF-style: chr2-48033710-T-A.
Other names: c.3531T>A, p.Asn1177Lys (NM_001281492.2); c.3015T>A, p.Asn1005Lys (NM_001281493.2, NM_001281494.2); short protein forms N1307K, N1005K, N1177K.
Identifiers: ClinVar variation 455307 (VCV000455307.16), dbSNP rs876659660, ClinGen allele CA346761461.